The following is an entry in ClinVar:

ClinVar aggregate classification (germline): Likely pathogenic (1 of 4 stars; one submission).

Conditions:
PAX6-related disorder. Also called: PAX6-related disorders; PAX6-related condition.

Submission:

PreventionGenetics, part of Exact Sciences
Classification: Likely pathogenic for PAX6-related condition. Last evaluated: 2026-06-24. Review status: criteria provided, single submitter. Criteria: ACMG Guidelines, 2015. Collection method: clinical testing. Allele origin: germline.
Comment: The PAX6 c.502G>T variant is predicted to result in premature protein termination (p.Gly168*). To our knowledge, this variant has not been reported in the literature. This variant is absent in a large population database (gnomAD), indicating this variant is rare. Nonsense variants in PAX6 are an established mechanism of disease. This variant is interpreted as likely pathogenic.

NM_001368894.2(PAX6):c.502G>T (p.Gly168Ter)

Gene: PAX6 (paired box 6; minus strand). Cytogenetic location: 11p13.
Variant type: single nucleotide variant.
Coding change: c.502G>T on transcript NM_001368894.2 (MANE Select); coding-DNA position 502, G replaced by T.
Protein change: p.Gly168Ter; replaces glycine 168 with a stop codon.
Molecular consequence: nonsense. On other transcripts: non-coding transcript variant (2).
Genome position (GRCh38, 1-based): chr11:31,800,754, C>A on the plus strand (G>T on the coding strand, the complement: PAX6 is on the minus strand). VCF-style: chr11-31800754-C-A. GRCh37 (hg19) VCF-style: chr11-31822302-C-A.
Other names: c.460G>T, p.Gly154Ter (NM_000280.6, NM_001127612.3, NM_001258464.2 and 10 more transcripts); c.502G>T, p.Gly168Ter (NM_001258462.3, NM_001258463.2, NM_001310158.2 and 6 more transcripts); c.52G>T, p.Gly18Ter (NM_001310160.2, NM_001310161.3, NM_001368899.2 and 11 more transcripts); c.703G>T, p.Gly235Ter (NM_001368910.2); c.505G>T, p.Gly169Ter (NM_001368911.2); c.577G>T, p.Gly193Ter (NM_001368918.2, NM_001368919.2); c.535G>T, p.Gly179Ter (NM_001368920.2); c.301G>T, p.Gly101Ter (NM_001368921.2, NM_001368922.2, NM_001368923.2 and 4 more transcripts); and 1 more; short protein forms G168*, G169*, G18*, G101*, G235*, G87*, G154*, G179*.
Identifiers: ClinVar variation 4991472 (VCV004991472.1).